The following is an entry in ClinVar:

ClinVar aggregate classification (germline): Uncertain significance. Review status: criteria provided, multiple submitters, no conflicts (2 of 4 stars). 2 submissions from 2 submitters: Uncertain significance (2). Last evaluated 2025-06-18.

Allele frequency attached by ClinVar (database versions not stated): gnomAD 0.00006; gnomAD exomes 0.00008; ExAC 0.00010; TOPMed 0.00011.
gnomAD v4.1: 121 of 1,613,992 alleles (0.0075%); highest among the groups gnomAD compares: Admixed American, 0.045%; no homozygotes.

Submissions (2):

Ambry Genetics
Classification: Uncertain significance. Last evaluated: 2025-06-18. Review status: criteria provided, single submitter. Criteria: Ambry Variant Classification Scheme 2023. Collection method: clinical testing. Allele origin: germline.

Labcorp Genetics (formerly Invitae), Labcorp
Classification: Uncertain significance. Last evaluated: 2023-02-02. Review status: criteria provided, single submitter. Criteria: Invitae Variant Classification Sherloc (09022015). Collection method: clinical testing. Allele origin: germline.
Comment: Algorithms developed to predict the effect of missense changes on protein structure and function are either unavailable or do not agree on the potential impact of this missense change (SIFT: "Tolerated"; PolyPhen-2: "Possibly Damaging"; Align-GVGD: "Class C0"). In summary, the available evidence is currently insufficient to determine the role of this variant in disease. Therefore, it has been classified as a Variant of Uncertain Significance. This variant has not been reported in the literature in individuals affected with IGSF10-related conditions. This sequence change replaces tyrosine, which is neutral and polar, with cysteine, which is neutral and slightly polar, at codon 207 of the IGSF10 protein (p.Tyr207Cys). This variant is present in population databases (rs746021056, gnomAD 0.05%).

NM_178822.5(IGSF10):c.620A>G (p.Tyr207Cys)

Gene: IGSF10 (immunoglobulin superfamily member 10; minus strand). Cytogenetic location: 3q25.1.
Variant type: single nucleotide variant.
Coding change: c.620A>G on transcript NM_178822.5 (MANE Select); coding-DNA position 620, A replaced by G.
Protein change: p.Tyr207Cys; replaces tyrosine 207 with cysteine.
Molecular consequence: missense variant.
Genome position (GRCh38, 1-based): chr3:151,453,479, T>C on the plus strand (A>G on the coding strand, the complement: IGSF10 is on the minus strand). VCF-style: chr3-151453479-T-C. GRCh37 (hg19) VCF-style: chr3-151171267-T-C.
Other names: c.620A>G (NM_178822.4); c.620A>G, p.Tyr207Cys (NM_001385060.1, NM_001385061.1, NM_001385062.1 and 1 more transcripts); short protein forms Y207C.
Identifiers: ClinVar variation 2729971 (VCV002729971.4), dbSNP rs746021056, ClinGen allele CA2670724.
Genomic context (GRCh38, chr3:151,453,479, plus strand): 5'-AAATGGCAATCACAGGTCCATGGGTTTCCATGCAGGTAAAGGCTGTCTAGGTCAGGCATA[T>C]AGGAGACCATCTCTTGAGGGAGGGAGGTCAGGAAGTTATCAGACAAGTATAGGAACTTAA-3'
Protein context (NP_849144.2, residues 197-217): LTSLPQEMVS[Tyr207Cys]MPDLDSLYLH